The following is an entry in ClinVar:

NM_004369.4(COL6A3):c.3699C>T (p.Asp1233=)

Gene: COL6A3 (collagen type VI alpha 3 chain; minus strand). Cytogenetic location: 2q37.3.
Variant type: single nucleotide variant.
Coding change: c.3699C>T on transcript NM_004369.4 (MANE Select); coding-DNA position 3699, C replaced by T.
Protein change: p.Asp1233=; no amino-acid change (aspartic acid 1233 retained).
Molecular consequence: synonymous variant.
Genome position (GRCh38, 1-based): chr2:237,372,318, G>A on the plus strand (C>T on the coding strand, the complement: COL6A3 is on the minus strand). VCF-style: chr2-237372318-G-A. GRCh37 (hg19) VCF-style: chr2-238280961-G-A.
Other names: c.2478C>T, p.Asp826= (NM_057164.5); c.3081C>T, p.Asp1027= (NM_057165.5, NM_057167.4); c.1878C>T, p.Asp626= (NM_057166.5).
Identifiers: ClinVar variation 284496 (VCV000284496.39), dbSNP rs542411896, ClinGen allele CA2189094.

ClinVar aggregate classification (germline): Conflicting classifications of pathogenicity. Review status: criteria provided, conflicting classifications (1 of 4 stars). 4 submissions from 4 submitters: Uncertain significance (1); Likely benign (3). Last evaluated 2026-01-26.

Conditions:
Bethlem myopathy 1A. Also called: Bethlem myopathy 1; Bethlem Muscular Dystrophy; MYOPATHY, BENIGN CONGENITAL, WITH CONTRACTURES. Identifiers: Orphanet 610, MedGen CN029274, MONDO:0024530, OMIM 158810.

Allele frequency attached by ClinVar (database versions not stated): gnomAD 0.00002 and 0.00006; TOPMed 0.00004; gnomAD exomes 0.00009; ExAC 0.00011; 1000 Genomes Project 30x 0.00078; 1000 Genomes Project 0.00100.
gnomAD v4.1: 110 of 1,607,764 alleles (0.0068%); highest among the groups gnomAD compares: South Asian, 0.077%; 1 homozygote.

Submissions (4):

Labcorp Genetics (formerly Invitae), Labcorp
Classification: Likely benign for Bethlem myopathy 1A. Last evaluated: 2026-01-26. Review status: criteria provided, single submitter. Criteria: Invitae Variant Classification Sherloc (09022015). Collection method: clinical testing. Allele origin: germline.

CeGaT Center for Human Genetics Tuebingen
Classification: Likely benign. Last evaluated: 2023-12-01. Review status: criteria provided, single submitter. Criteria: CeGaT Center For Human Genetics Tuebingen Variant Classification Criteria Version 2. Collection method: clinical testing. Allele origin: germline. Affected: yes. Observed: 1 variant allele.
Comment: COL6A3: BP4, BP7

GeneDx
Classification: Likely benign. Last evaluated: 2018-03-23. Review status: criteria provided, single submitter. Criteria: GeneDx Variant Classification (06012015). Collection method: clinical testing. Allele origin: germline. Affected: yes.
Comment: This variant is considered likely benign or benign based on one or more of the following criteria: it is a conservative change, it occurs at a poorly conserved position in the protein, it is predicted to be benign by multiple in silico algorithms, and/or has population frequency not consistent with disease.

Eurofins Ntd Llc (ga)
Classification: Uncertain significance. Last evaluated: 2015-11-04. Review status: criteria provided, single submitter. Criteria: EGL Classification Definitions 2015. Collection method: clinical testing. Allele origin: germline. Observed: 1 variant allele, 1 heterozygote.